The following is an entry in ClinVar:

NM_006268.5(DPF2):c.659A>C (p.Asn220Thr)

Gene: DPF2 (double PHD fingers 2; plus strand). Cytogenetic location: 11q13.1.
Variant type: single nucleotide variant.
Coding change: c.659A>C on transcript NM_006268.5 (MANE Select); coding-DNA position 659, A replaced by C.
Protein change: p.Asn220Thr; replaces asparagine 220 with threonine.
Molecular consequence: missense variant.
Genome position (GRCh38, 1-based): chr11:65,345,687, A>C. VCF-style: chr11-65345687-A-C. GRCh37 (hg19) VCF-style: chr11-65113158-A-C.
Other names: c.701A>C, p.Asn234Thr (NM_001330308.2); short protein forms N220T, N234T.
Identifiers: ClinVar variation 4993358 (VCV004993358.1).

ClinVar aggregate classification (germline): Uncertain significance (1 of 4 stars; one submission).

Conditions:
DPF2-related disorder. Also called: DPF2-related condition.

Submission:

PreventionGenetics, part of Exact Sciences
Classification: Uncertain significance for DPF2-related condition. Last evaluated: 2025-11-16. Review status: criteria provided, single submitter. Criteria: ACMG Guidelines, 2015. Collection method: clinical testing. Allele origin: germline.
Comment: The DPF2 c.701A>C variant is predicted to result in the amino acid substitution p.Asn234Thr. To our knowledge, this variant has not been reported in the literature or in a large population database (gnomAD), indicating this variant is rare. At this time, the clinical significance of this variant is uncertain due to the absence of conclusive functional and genetic evidence.